The following is an entry in ClinVar:

NM_014915.3(ANKRD26):c.181A>G (p.Lys61Glu)

Gene: ANKRD26 (ankyrin repeat domain containing 26; minus strand). Cytogenetic location: 10p12.1.
Variant type: single nucleotide variant.
Coding change: c.181A>G on transcript NM_014915.3 (MANE Select); coding-DNA position 181, A replaced by G.
Protein change: p.Lys61Glu; replaces lysine 61 with glutamic acid.
Molecular consequence: missense variant.
Genome position (GRCh38, 1-based): chr10:27,100,146, T>C on the plus strand (A>G on the coding strand, the complement: ANKRD26 is on the minus strand). VCF-style: chr10-27100146-T-C. GRCh37 (hg19) VCF-style: chr10-27389075-T-C.
Other names: c.181A>G, p.Lys61Glu (NM_001256053.2); short protein forms K61E.
Identifiers: ClinVar variation 3870481 (VCV003870481.1).

ClinVar aggregate classification (germline): Uncertain significance (1 of 4 stars; one submission).

Conditions:
Inborn genetic diseases. Identifiers: MedGen C0950123, MeSH D030342.

Submission:

Ambry Genetics
Classification: Uncertain significance for Inborn genetic diseases. Last evaluated: 2025-01-17. Review status: criteria provided, single submitter. Criteria: Ambry Variant Classification Scheme 2023. Collection method: clinical testing. Allele origin: germline.
Comment: The p.K61E variant (also known as c.181A>G), located in coding exon 1 of the ANKRD26 gene, results from an A to G substitution at nucleotide position 181. The lysine at codon 61 is replaced by glutamic acid, an amino acid with similar properties. This amino acid position is conserved. In addition, this alteration is predicted to be tolerated by in silico analysis. Based on the available evidence, the clinical significance of this variant remains unclear.